The following is an entry in ClinVar:

ClinVar aggregate classification (germline): Uncertain significance. Review status: criteria provided, multiple submitters, no conflicts (2 of 4 stars). 4 submissions from 4 submitters: Uncertain significance (4). Last evaluated 2025-11-05.

Conditions:
Familial adenomatous polyposis 1 (FAP1). Also called: FAMILIAL ADENOMATOUS POLYPOSIS 1, ATTENUATED; POLYPOSIS, ADENOMATOUS INTESTINAL. Identifiers: MedGen C2713442, MONDO:0021056, OMIM 175100. Disease mechanism: loss of function.
Classic or attenuated familial adenomatous polyposis. Identifiers: MedGen CN372698, MONDO:0021057.
Hereditary cancer-predisposing syndrome. Also called: Neoplastic Syndromes, Hereditary; Tumor predisposition; Hereditary Cancer Syndrome; Hereditary neoplastic syndrome. Identifiers: Orphanet 140162, MedGen C0027672, MeSH D009386, MONDO:0015356.

Allele frequency attached by ClinVar (database versions not stated): gnomAD exomes below 0.00001; ExAC 0.00001; gnomAD 0.00001; 1000 Genomes Project 30x 0.00016; 1000 Genomes Project 0.00020.
gnomAD v4.1: 6 of 1,612,126 alleles (0.00037%); highest among the groups gnomAD compares: African/African-American, 0.004%; no homozygotes.

Submissions (4):

Labcorp Genetics (formerly Invitae), Labcorp
Classification: Uncertain significance for Familial adenomatous polyposis 1. Last evaluated: 2025-11-05. Review status: criteria provided, single submitter. Criteria: Invitae Variant Classification Sherloc (09022015). Collection method: clinical testing. Allele origin: germline.
Comment: This sequence change replaces glycine, which is neutral and non-polar, with glutamic acid, which is acidic and polar, at codon 2187 of the APC protein (p.Gly2187Glu). This variant is present in population databases (rs146695342, gnomAD 0.008%). This variant has not been reported in the literature in individuals affected with APC-related conditions. ClinVar contains an entry for this variant (Variation ID: 482296). Invitae Evidence Modeling of protein sequence and biophysical properties (such as structural, functional, and spatial information, amino acid conservation, physicochemical variation, residue mobility, and thermodynamic stability) indicates that this missense variant is not expected to disrupt APC protein function with a negative predictive value of 95%. In summary, the available evidence is currently insufficient to determine the role of this variant in disease. Therefore, it has been classified as a Variant of Uncertain Significance.

Ambry Genetics
Classification: Uncertain significance for Hereditary cancer-predisposing syndrome. Last evaluated: 2025-06-28. Review status: criteria provided, single submitter. Criteria: Ambry Variant Classification Scheme 2023. Collection method: clinical testing. Allele origin: germline.
Comment: The p.G2187E variant (also known as c.6560G>A), located in coding exon 15 of the APC gene, results from a G to A substitution at nucleotide position 6560. The glycine at codon 2187 is replaced by glutamic acid, an amino acid with similar properties. This amino acid position is well conserved in available vertebrate species. In addition, in silico predictors for this gene do not accurately predict pathogenicity. Since supporting evidence is limited at this time, the clinical significance of this alteration remains unclear.

Color Diagnostics, LLC DBA Color Health
Classification: Uncertain significance for Hereditary cancer-predisposing syndrome. Last evaluated: 2024-03-06. Review status: criteria provided, single submitter. Criteria: ACMG Guidelines, 2015. Collection method: clinical testing. Allele origin: germline.
Comment: This missense variant replaces glycine with glutamic acid at codon 2187 of the APC protein. Computational prediction suggests that this variant may not impact protein structure and function (internally defined REVEL score threshold <= 0.5, PMID: 27666373). To our knowledge, functional studies have not been reported for this variant. This variant has not been reported in individuals affected with APC-related disorders in the literature. This variant has been identified in 2/280494 chromosomes in the general population by the Genome Aggregation Database (gnomAD). The available evidence is insufficient to determine the role of this variant in disease conclusively. Therefore, this variant is classified as a Variant of Uncertain Significance.

All of Us Research Program, National Institutes of Health
Classification: Uncertain significance for Classic or attenuated familial adenomatous polyposis. Last evaluated: 2023-06-26. Review status: criteria provided, single submitter. Criteria: ACMG Guidelines, 2015. Collection method: clinical testing. Allele origin: germline. Inheritance: Autosomal dominant inheritance. Observed: 1 variant allele, 1 heterozygote.
Comment: This missense variant replaces glycine with glutamic acid at codon 2187 of the APC protein. Computational prediction suggests that this variant may not impact protein structure and function (internally defined REVEL score threshold <= 0.5, PMID: 27666373). To our knowledge, functional studies have not been reported for this variant. This variant has not been reported in individuals affected with APC-related disorders in the literature. This variant has been identified in 2/280494 chromosomes in the general population by the Genome Aggregation Database (gnomAD). The available evidence is insufficient to determine the role of this variant in disease conclusively. Therefore, this variant is classified as a Variant of Uncertain Significance.

This study involves interpretation of variants in research participants for the purpose of population health screening. Participant phenotype was not available at the time of variant classification. Additional details can be found in publication PMID: 35346344, PMCID: PMC8962531

NM_000038.6(APC):c.6560G>A (p.Gly2187Glu)

Gene: APC (APC regulator of Wnt signaling pathway; plus strand). Cytogenetic location: 5q22.2.
Variant type: single nucleotide variant.
Coding change: c.6560G>A on transcript NM_000038.6 (MANE Select); coding-DNA position 6560, G replaced by A.
Protein change: p.Gly2187Glu; replaces glycine 2187 with glutamic acid.
Molecular consequence: missense variant.
Genome position (GRCh38, 1-based): chr5:112,842,154, G>A. VCF-style: chr5-112842154-G-A. GRCh37 (hg19) VCF-style: chr5-112177851-G-A.
Other names: c.6560G>A, p.Gly2187Glu (NM_001127510.3, NM_001354895.2); c.6506G>A, p.Gly2169Glu (NM_001127511.3); c.6614G>A, p.Gly2205Glu (NM_001354896.2); c.6590G>A, p.Gly2197Glu (NM_001354897.2); c.6485G>A, p.Gly2162Glu (NM_001354898.2); c.6476G>A, p.Gly2159Glu (NM_001354899.2); c.6437G>A, p.Gly2146Glu (NM_001354900.2); c.6383G>A, p.Gly2128Glu (NM_001354901.2); and 5 more; short protein forms G2169E, G2187E, G2128E, G2162E, G2197E, G2027E, G2146E, G2159E.
Identifiers: ClinVar variation 482296 (VCV000482296.21), dbSNP rs146695342, ClinGen allele CA045353.